The following is an entry in ClinVar:

NM_016373.4(WWOX):c.606-150G>A

Gene: WWOX (WW domain containing oxidoreductase; plus strand). Cytogenetic location: 16q23.1.
Variant type: single nucleotide variant.
Coding change: c.606-150G>A on transcript NM_016373.4 (MANE Select); 150 bases into the intron before coding-DNA position 606, G replaced by A.
Molecular consequence: intron variant.
Genome position (GRCh38, 1-based): chr16:78,424,720, G>A. VCF-style: chr16-78424720-G-A. GRCh37 (hg19) VCF-style: chr16-78458617-G-A.
Other names: c.267-150G>A (NM_001291997.2).
Identifiers: ClinVar variation 672624 (VCV000672624.2), dbSNP rs6564553, ClinGen allele CA14287096.

ClinVar aggregate classification (germline): Benign. Review status: criteria provided, multiple submitters, no conflicts (2 of 4 stars). 2 submissions from 2 submitters: Benign (2). Last evaluated 2018-06-19.

Allele frequency attached by ClinVar (database versions not stated): gnomAD 0.08803 and 0.08926; TOPMed 0.09730; 1000 Genomes Project 0.13518; 1000 Genomes Project 30x 0.14038.
gnomAD v4.1: 36,866 of 924,914 alleles (4%); highest among the groups gnomAD compares: African/African-American, 24%; 2,594 homozygotes.

Submissions (2):

GeneDx
Classification: Benign. Last evaluated: 2018-06-19. Review status: criteria provided, single submitter. Criteria: GeneDx Variant Classification (06012015). Collection method: clinical testing. Allele origin: germline. Affected: yes.
Comment: This variant is considered likely benign or benign based on one or more of the following criteria: it is a conservative change, it occurs at a poorly conserved position in the protein, it is predicted to be benign by multiple in silico algorithms, and/or has population frequency not consistent with disease.

Breakthrough Genomics
Classification: Benign. Review status: criteria provided, single submitter. Criteria: ACMG Guidelines, 2015. Collection method: not provided. Allele origin: germline. Inheritance: Autosomal recessive inheritance. Affected: yes.